The following is an entry in ClinVar:

NM_001172303.3(MASTL):c.1510G>A (p.Ala504Thr)

Gene: MASTL (microtubule associated serine/threonine kinase like; plus strand). Cytogenetic location: 10p12.1.
Variant type: single nucleotide variant.
Coding change: c.1510G>A on transcript NM_001172303.3 (MANE Select); coding-DNA position 1510, G replaced by A.
Protein change: p.Ala504Thr; replaces alanine 504 with threonine.
Molecular consequence: missense variant. On other transcripts: non-coding transcript variant (1).
Genome position (GRCh38, 1-based): chr10:27,170,469, G>A. VCF-style: chr10-27170469-G-A. GRCh37 (hg19) VCF-style: chr10-27459398-G-A.
Other names: c.1510G>A, p.Ala504Thr (NM_001172304.3, NM_001320756.2, NM_001320757.2 and 1 more transcripts); c.1027G>A, p.Ala343Thr (NM_001372029.1, NM_001372030.1); short protein forms A343T, A504T.
Identifiers: ClinVar variation 4997392 (VCV004997392.1).

ClinVar aggregate classification (germline): Uncertain significance (1 of 4 stars; one submission).

Conditions:
MASTL-related disorder. Also called: MASTL-related condition.

Submission:

PreventionGenetics, part of Exact Sciences
Classification: Uncertain significance for MASTL-related condition. Last evaluated: 2025-07-31. Review status: criteria provided, single submitter. Criteria: ACMG Guidelines, 2015. Collection method: clinical testing. Allele origin: germline.
Comment: The MASTL c.1510G>A variant is predicted to result in the amino acid substitution p.Ala504Thr. To our knowledge, this variant has not been reported in the literature or in a large population database (gnomAD), indicating this variant is rare. At this time, the clinical significance of this variant is uncertain due to the absence of conclusive functional and genetic evidence.